The following is an entry in ClinVar:

ClinVar aggregate classification (germline): Uncertain significance (1 of 4 stars; one submission).

Conditions:
Cardiovascular phenotype. Identifiers: MedGen CN230736.

Allele frequency attached by ClinVar (database versions not stated): gnomAD exomes below 0.00001.
gnomAD v4.1: 1 of 1,602,162 alleles (0.000062%); highest among the groups gnomAD compares: African/African-American, 0.0013%; no homozygotes.

Submission:

Ambry Genetics
Classification: Uncertain significance for Cardiovascular phenotype. Last evaluated: 2022-08-01. Review status: criteria provided, single submitter. Criteria: Ambry Variant Classification Scheme 2023. Collection method: clinical testing. Allele origin: germline.
Comment: The p.Y395H variant (also known as c.1183T>C), located in coding exon 9 of the MAT2A gene, results from a T to C substitution at nucleotide position 1183. The tyrosine at codon 395 is replaced by histidine, an amino acid with similar properties. This amino acid position is conserved. In addition, this alteration is predicted to be deleterious by in silico analysis. Since supporting evidence is limited at this time, the clinical significance of this alteration remains unclear.

NM_005911.6(MAT2A):c.1183T>C (p.Tyr395His)

Genes: GGCX (gamma-glutamyl carboxylase; minus strand), MAT2A (methionine adenosyltransferase 2A; plus strand). Cytogenetic location: 2p11.2.
Variant type: single nucleotide variant.
Coding change: c.1183T>C on transcript NM_005911.6 (MANE Select); coding-DNA position 1183, T replaced by C.
Protein change: p.Tyr395His; replaces tyrosine 395 with histidine.
Molecular consequence: missense variant.
Genome position (GRCh38, 1-based): chr2:85,543,767, T>C. VCF-style: chr2-85543767-T-C. GRCh37 (hg19) VCF-style: chr2-85770890-T-C.
Other names: short protein forms Y395H.
Identifiers: ClinVar variation 1742865 (VCV001742865.2), dbSNP rs2529635861, ClinGen allele CA347479513.
Genomic context (GRCh38, chr2:85,543,767, plus strand): 5'-GCAGCCTATGGCCACTTTGGTAGGGACAGCTTCCCATGGGAAGTGCCCAAAAAGCTTAAA[T>C]ATTGAAAGTGTTAGCCTTTTTTCCCCAGACTTGTTGGCGTAGGCTACAGAGAAGCCTTCA-3'
Protein context (NP_005902.1, residues 385-395): FPWEVPKKLK[Tyr395His]